The following is an entry in ClinVar:

ClinVar aggregate classification (germline): Uncertain significance (1 of 4 stars; one submission).

Conditions:
MEGF10-related myopathy (CMYO10A). Also called: Congenital myopathy 10A, severe variant. Identifiers: Orphanet 439212, MedGen C3280679, MONDO:0013731, OMIM 614399.

Allele frequency attached by ClinVar (database versions not stated): gnomAD exomes below 0.00001 and 0.00001.
gnomAD v4.1: 3 of 1,614,104 alleles (0.00019%); highest among the groups gnomAD compares: East Asian, 0.0022%; no homozygotes.

Submission:

Labcorp Genetics (formerly Invitae), Labcorp
Classification: Uncertain significance for MEGF10-related myopathy. Last evaluated: 2021-08-17. Review status: criteria provided, single submitter. Criteria: Invitae Variant Classification Sherloc (09022015). Collection method: clinical testing. Allele origin: germline.
Comment: This sequence change replaces cysteine with tyrosine at codon 464 of the MEGF10 protein (p.Cys464Tyr). The cysteine residue is highly conserved and there is a large physicochemical difference between cysteine and tyrosine. This variant is not present in population databases (ExAC no frequency). This variant has not been reported in the literature in individuals affected with MEGF10-related conditions. Algorithms developed to predict the effect of missense changes on protein structure and function (SIFT, PolyPhen-2, Align-GVGD) all suggest that this variant is likely to be disruptive. In summary, the available evidence is currently insufficient to determine the role of this variant in disease. Therefore, it has been classified as a Variant of Uncertain Significance.

NM_001256545.2(MEGF10):c.1391G>A (p.Cys464Tyr)

Gene: MEGF10 (multiple EGF like domains 10; plus strand). Cytogenetic location: 5q23.2.
Variant type: single nucleotide variant.
Coding change: c.1391G>A on transcript NM_001256545.2 (MANE Select); coding-DNA position 1391, G replaced by A.
Protein change: p.Cys464Tyr; replaces cysteine 464 with tyrosine.
Molecular consequence: missense variant.
Genome position (GRCh38, 1-based): chr5:127,419,205, G>A. VCF-style: chr5-127419205-G-A. GRCh37 (hg19) VCF-style: chr5-126754897-G-A.
Other names: c.1391G>A, p.Cys464Tyr (NM_001308119.2, NM_001308121.2, NM_032446.3); short protein forms C464Y.
Identifiers: ClinVar variation 1390759 (VCV001390759.3), dbSNP rs1174965174, ClinGen allele CA360729326.